The following is an entry in ClinVar:

ClinVar aggregate classification (germline): Pathogenic (1 of 4 stars; one submission).

Conditions:
Duchenne muscular dystrophy (DMD). Also called: Duchenne Muscular Dystrophy (DMD); MUSCULAR DYSTROPHY, PSEUDOHYPERTROPHIC PROGRESSIVE, DUCHENNE TYPE. Identifiers: Orphanet 98896, MedGen C0013264, MONDO:0010679, OMIM 310200.

Submission:

Labcorp Genetics (formerly Invitae), Labcorp
Classification: Pathogenic for Duchenne muscular dystrophy. Last evaluated: 2019-12-19. Review status: criteria provided, single submitter. Criteria: Invitae Variant Classification Sherloc (09022015). Collection method: clinical testing. Allele origin: germline.
Comment: For these reasons, this variant has been classified as Pathogenic. Loss-of-function variants in DMD are known to be pathogenic (PMID: 16770791, 25007885). This variant has not been reported in the literature in individuals with DMD-related conditions. This variant is not present in population databases (ExAC no frequency). This sequence change creates a premature translational stop signal (p.Glu2460*) in the DMD gene. It is expected to result in an absent or disrupted protein product.

Literature cited by the submitters: PubMed 16770791; PubMed 25007885.

NM_004006.3(DMD):c.7378G>T (p.Glu2460Ter)

Gene: DMD (dystrophin; minus strand). Cytogenetic location: Xp21.1.
Variant type: single nucleotide variant.
Coding change: c.7378G>T on transcript NM_004006.3 (MANE Select); coding-DNA position 7378, G replaced by T.
Protein change: p.Glu2460Ter; replaces glutamic acid 2460 with a stop codon.
Molecular consequence: nonsense. On other transcripts: 5 prime UTR variant (5).
Genome position (GRCh38, 1-based): chrX:31,774,124, C>A on the plus strand (G>T on the coding strand, the complement: DMD is on the minus strand). VCF-style: chrX-31774124-C-A. GRCh37 (hg19) VCF-style: chrX-31792241-C-A.
Other names: c.7354G>T, p.Glu2452Ter (NM_000109.4); c.7366G>T, p.Glu2456Ter (NM_004009.3); c.7009G>T, p.Glu2337Ter (NM_004010.3); c.3355G>T, p.Glu1119Ter (NM_004011.4); c.3346G>T, p.Glu1116Ter (NM_004012.4); c.-3G>T (NM_004013.3, NM_004020.4, NM_004021.3 and 2 more transcripts); short protein forms E1116*, E1119*, E2337*, E2456*, E2452*, E2460*.
Identifiers: ClinVar variation 838434 (VCV000838434.8), dbSNP rs2090513299, ClinGen allele CA412659061.